The following is an entry in ClinVar:

NM_000059.4(BRCA2):c.1147del (p.Ile383fs)

Gene: BRCA2 (BRCA2 DNA repair associated; plus strand). Cytogenetic location: 13q13.1.
Variant type: Deletion.
Coding change: c.1147del on transcript NM_000059.4 (MANE Select); coding-DNA position 1147, one base deleted (A; older notation c.1147delA).
Protein change: p.Ile383fs; shifts the reading frame from isoleucine 383.
Molecular consequence: frameshift variant.
Genome position (GRCh38, 1-based): chr13:32,332,625, A deleted; the last of 4 consecutive A bases (chr13:32,332,622-32,332,625); deleting any one gives the same sequence. VCF-style (leftmost placement, unchanged base first): chr13-32332621-CA-C. GRCh37 (hg19) VCF-style: chr13-32906758-CA-C.
Other names: 1375delA; c.1147delA (NM_000059.3).
Identifiers: ClinVar variation 51071 (VCV000051071.26), dbSNP rs80359265, ClinGen allele CA010948.

ClinVar aggregate classification (germline): Pathogenic. Review status: reviewed by expert panel (3 of 4 stars). 10 submissions from 10 submitters: Pathogenic (1). 9 of the submissions do not count toward it. Last evaluated 2016-09-08.

Conditions:
Hereditary cancer-predisposing syndrome. Also called: Neoplastic Syndromes, Hereditary; Tumor predisposition; Hereditary Cancer Syndrome; Hereditary neoplastic syndrome. Identifiers: Orphanet 140162, MedGen C0027672, MeSH D009386, MONDO:0015356.
Hereditary breast ovarian cancer syndrome. Also called: Hereditary breast and ovarian cancer syndrome; Hereditary breast and ovarian cancer; Hereditary breast and ovarian cancer syndrome (HBOC); Breast and ovarian cancer; Hereditary breast and/or ovarian cancer syndrome; BRCA1- and BRCA2-Associated Hereditary Breast and Ovarian Cancer. Identifiers: Orphanet 145, MedGen C0677776, MeSH D061325, MONDO:0003582. Disease mechanism: loss of function.
Breast-ovarian cancer, familial, susceptibility to, 2 (BROVCA2). Also called: BRCA2 Hereditary Breast and Ovarian Cancer. Identifiers: Orphanet 145, MedGen C2675520, MONDO:0012933, OMIM 612555. Disease mechanism: loss of function.
Familial cancer of breast. Also called: BREAST CANCER, FAMILIAL; Hereditary breast cancer; hereditary breast carcinoma. Identifiers: Orphanet 227535, MedGen C0346153, MONDO:0016419, OMIM 114480. Disease mechanism: loss of function.

Submissions (10):

Evidence-based Network for the Interpretation of Germline Mutant Alleles (ENIGMA)
Classification: Pathogenic for Breast-ovarian cancer, familial, susceptibility to, 2. Last evaluated: 2016-09-08. Review status: reviewed by expert panel. Criteria: ENIGMA BRCA1/2 Classification Criteria (2015). Collection method: curation. Allele origin: germline.
Comment: Variant allele predicted to encode a truncated non-functional protein.

Ambry Genetics
Classification: Pathogenic for Hereditary cancer-predisposing syndrome. Last evaluated: 2025-05-23. Review status: criteria provided, single submitter. Criteria: Ambry Variant Classification Scheme 2023. Collection method: clinical testing. Allele origin: germline. Not counted in ClinVar's aggregate classification.
Comment: The c.1147delA alteration, located in exon 10 (coding exon 9) of the BRCA2 gene, consists of a deletion of one nucleotide at position 1147, causing a translational frameshift with a predicted alternate stop codon after amino acids. This alteration is expected to result in loss of function by premature protein truncation or nonsense-mediated mRNA decay. This variant was not reported in population-based cohorts in the Genome Aggregation Database (gnomAD). This variant (designated 1375delA) was identified in 2/4024 Dutch families at increased risk for hereditary breast and ovarian cancer (HBOC) (van der Hout, 2006). Based on the available evidence, this alteration is classified as pathogenic.

Labcorp Genetics (formerly Invitae), Labcorp
Classification: Pathogenic for Hereditary breast ovarian cancer syndrome. Last evaluated: 2024-08-03. Review status: criteria provided, single submitter. Criteria: Invitae Variant Classification Sherloc (09022015). Collection method: clinical testing. Allele origin: germline. Not counted in ClinVar's aggregate classification.
Comment: This sequence change creates a premature translational stop signal (p.Ile383Serfs*16) in the BRCA2 gene. It is expected to result in an absent or disrupted protein product. Loss-of-function variants in BRCA2 are known to be pathogenic (PMID: 20104584). This variant is not present in population databases (gnomAD no frequency). This premature translational stop signal has been observed in individual(s) with breast and/or ovarian cancer (PMID: 16683254, 29446198). ClinVar contains an entry for this variant (Variation ID: 51071). For these reasons, this variant has been classified as Pathogenic.

Baylor Genetics
Classification: Pathogenic for Familial cancer of breast. Last evaluated: 2023-10-05. Review status: criteria provided, single submitter. Criteria: ACMG Guidelines, 2015. Collection method: clinical testing. Allele origin: unknown. Not counted in ClinVar's aggregate classification.

Color Diagnostics, LLC DBA Color Health
Classification: Pathogenic for Hereditary cancer-predisposing syndrome. Last evaluated: 2020-06-02. Review status: criteria provided, single submitter. Criteria: ACMG Guidelines, 2015. Collection method: clinical testing. Allele origin: germline. Not counted in ClinVar's aggregate classification.
Comment: This variant deletes 1 nucleotide in exon 10 of the BRCA2 gene, creating a frameshift and premature translation stop signal. This variant is expected to result in an absent or non-functional protein product. This variant has been reported in two hereditary breast and ovarian cancer (HBOC) families (PMID: 16683254). This variant has not been identified in the general population by the Genome Aggregation Database (gnomAD). Loss of BRCA2 function is a known mechanism of disease. Based on the available evidence, this variant is classified as Pathogenic.

Laboratory for Molecular Medicine, Mass General Brigham Personalized Medicine
Classification: Pathogenic for Hereditary breast ovarian cancer syndrome. Last evaluated: 2018-10-21. Review status: criteria provided, single submitter. Criteria: LMM Criteria. Collection method: clinical testing. Allele origin: germline. Inheritance: Autosomal dominant inheritance. Observed: 1 variant allele. Not counted in ClinVar's aggregate classification.
Comment: The p.Ile383SerfsX16 variant in BRCA2 has been reported in 1 individual with her editary breast and/or ovarian cancer (HBOC; Breast cancer information core (BIC)) and in 2 individuals with a personal and/ or family history of HBOC (van der Hout 2006). It was absent from large populati on studies. This variant is predicted to cause a frameshift, which alters the pr otein?s amino acid sequence beginning at position 383 and leads to a premature t ermination codon 16 amino acids downstream. This alteration is then predicted to lead to a truncated or absent protein. Heterozygous loss of function of the BRC A2 gene is an established disease mechanism in individuals with HBOC. Additional ly, this variant was classified as pathogenic on Sept 8, 2016 by the ClinGen-app roved ENIGMA expert panel (ClinVar SCV000300388.2). In summary, this variant mee ts criteria to be classified as pathogenic for HBOC in an autosomal dominant man ner based on its presence in multiple affected individuals, absence from the gen eral population and the predicted impact on the protein. ACMG/AMP Criteria appli ed: PVS1, PM2, PS4_Supporting.

Consortium of Investigators of Modifiers of BRCA1/2 (CIMBA), c/o University of Cambridge
Classification: Pathogenic for Breast-ovarian cancer, familial, susceptibility to, 2. Last evaluated: 2015-10-02. Review status: criteria provided, single submitter. Criteria: CIMBA Mutation Classification guidelines May 2016. Collection method: clinical testing. Allele origin: germline. Not counted in ClinVar's aggregate classification.

Clinical Genetics DNA and cytogenetics Diagnostics Lab, Erasmus MC, Erasmus Medical Center
Classification: Pathogenic for Breast-ovarian cancer, familial, susceptibility to, 2. Last evaluated: 2015-09-21. Review status: criteria provided, single submitter. Criteria: ACGS Guidelines, 2013. Collection method: clinical testing. Allele origin: germline. Affected: yes. Study: VKGL Data-share Consensus. Not counted in ClinVar's aggregate classification.

Breast Cancer Information Core (BIC) (BRCA2)
Classification: Pathogenic for Breast-ovarian cancer, familial 2. Last evaluated: 2002-05-29. Review status: no assertion criteria provided. Collection method: clinical testing. Allele origin: germline. Affected: yes. Observed: 1 variant allele. Not counted in ClinVar's aggregate classification.

Diagnostic Laboratory, Department of Genetics, University Medical Center Groningen
Classification: Pathogenic for Breast-ovarian cancer, familial, susceptibility to, 2. Review status: no assertion criteria provided. Collection method: clinical testing. Allele origin: germline. Affected: yes. Study: VKGL Data-share Consensus. Not counted in ClinVar's aggregate classification.

Literature cited by the submitters: PubMed 16683254 (cited by 3 submitters); PubMed 20104584 (cited by Labcorp Genetics (formerly Invitae), Labcorp); PubMed 29446198 (cited by Labcorp Genetics (formerly Invitae), Labcorp).